The following is an entry in ClinVar:

NM_002691.4(POLD1):c.703G>A (p.Gly235Ser)

Gene: POLD1 (DNA polymerase delta 1, catalytic subunit; plus strand). Cytogenetic location: 19q13.33.
Variant type: single nucleotide variant.
Coding change: c.703G>A on transcript NM_002691.4 (MANE Select); coding-DNA position 703, G replaced by A.
Protein change: p.Gly235Ser; replaces glycine 235 with serine.
Molecular consequence: missense variant. On other transcripts: non-coding transcript variant (1).
Genome position (GRCh38, 1-based): chr19:50,402,318, G>A. VCF-style: chr19-50402318-G-A. GRCh37 (hg19) VCF-style: chr19-50905575-G-A.
Other names: c.703G>A, p.Gly235Ser (NM_001256849.1, NM_001308632.1); c.703G>A (NM_002691.2); short protein forms G235S.
Identifiers: ClinVar variation 1058535 (VCV001058535.8), dbSNP rs1388274211, ClinGen allele CA406974426.

ClinVar aggregate classification (germline): Conflicting classifications of pathogenicity. Review status: criteria provided, conflicting classifications (1 of 4 stars). 2 submissions from 2 submitters: Uncertain significance (1); Likely benign (1). Last evaluated 2025-03-24.

Conditions:
Hereditary cancer-predisposing syndrome. Also called: Tumor predisposition; Hereditary Cancer Syndrome; Hereditary neoplastic syndrome; Neoplastic Syndromes, Hereditary. Identifiers: Orphanet 140162, MedGen C0027672, MeSH D009386, MONDO:0015356.
POLD1-related polyposis and colorectal cancer syndrome (CRCS10). Also called: Colorectal cancer 10; COLORECTAL CANCER, SUSCEPTIBILITY TO, ON CHROMOSOME 19q; Colorectal cancer, susceptibility to, 10. Identifiers: Orphanet 220460, MedGen C2675481, MONDO:0012953, OMIM 612591.

Allele frequency attached by ClinVar (database versions not stated): gnomAD exomes below 0.00001.
gnomAD v4.1: 1 of 1,611,082 alleles (0.000062%); highest among the groups gnomAD compares: East Asian, 0.0022%; no homozygotes.

Submissions (2):

Ambry Genetics
Classification: Likely benign for Hereditary cancer-predisposing syndrome. Last evaluated: 2025-03-24. Review status: criteria provided, single submitter. Criteria: Ambry Variant Classification Scheme 2023. Collection method: clinical testing. Allele origin: germline.

Labcorp Genetics (formerly Invitae), Labcorp
Classification: Uncertain significance for POLD1-related polyposis and colorectal cancer syndrome. Last evaluated: 2024-08-21. Review status: criteria provided, single submitter. Criteria: Invitae Variant Classification Sherloc (09022015). Collection method: clinical testing. Allele origin: germline.
Comment: This sequence change replaces glycine, which is neutral and non-polar, with serine, which is neutral and polar, at codon 235 of the POLD1 protein (p.Gly235Ser). This variant is present in population databases (no rsID available, gnomAD 0.006%). This variant has not been reported in the literature in individuals affected with POLD1-related conditions. ClinVar contains an entry for this variant (Variation ID: 1058535). Invitae Evidence Modeling of protein sequence and biophysical properties (such as structural, functional, and spatial information, amino acid conservation, physicochemical variation, residue mobility, and thermodynamic stability) indicates that this missense variant is not expected to disrupt POLD1 protein function with a negative predictive value of 80%. In summary, the available evidence is currently insufficient to determine the role of this variant in disease. Therefore, it has been classified as a Variant of Uncertain Significance.